The following is an entry in ClinVar:

ClinVar aggregate classification (germline): Uncertain significance. Review status: criteria provided, multiple submitters, no conflicts (2 of 4 stars). 3 submissions from 3 submitters: Uncertain significance (3). Last evaluated 2024-06-11.

Conditions:
Hereditary cancer-predisposing syndrome. Also called: Neoplastic Syndromes, Hereditary; Tumor predisposition; Hereditary Cancer Syndrome; Hereditary neoplastic syndrome. Identifiers: Orphanet 140162, MedGen C0027672, MeSH D009386, MONDO:0015356.

Submissions (3):

Labcorp Genetics (formerly Invitae), Labcorp
Classification: Uncertain significance. Last evaluated: 2024-06-11. Review status: criteria provided, single submitter. Criteria: Invitae Variant Classification Sherloc (09022015). Collection method: clinical testing. Allele origin: germline.
Comment: This sequence change replaces leucine, which is neutral and non-polar, with phenylalanine, which is neutral and non-polar, at codon 870 of the MSH3 protein (p.Leu870Phe). This variant is not present in population databases (gnomAD no frequency). This variant has not been reported in the literature in individuals affected with MSH3-related conditions. ClinVar contains an entry for this variant (Variation ID: 653731). An algorithm developed to predict the effect of missense changes on protein structure and function (PolyPhen-2) suggests that this variant is likely to be disruptive. In summary, the available evidence is currently insufficient to determine the role of this variant in disease. Therefore, it has been classified as a Variant of Uncertain Significance.

Quest Diagnostics Nichols Institute San Juan Capistrano
Classification: Uncertain significance. Last evaluated: 2023-11-21. Review status: criteria provided, single submitter. Criteria: Quest Diagnostics criteria. Collection method: clinical testing. Allele origin: unknown.
Comment: The MSH3 c.2610G>T (p.Leu870Phe) variant has not been reported in individuals with MSH3-related conditions in the published literature. It also has not been reported in large, multi-ethnic general populations (Genome Aggregation Database). Analysis of this variant using bioinformatics tools for the prediction of the effect of amino acid changes on protein structure and function yielded predictions that this variant is damaging. Based on the available information, we are unable to determine the clinical significance of this variant.

Ambry Genetics
Classification: Uncertain significance for Hereditary cancer-predisposing syndrome. Last evaluated: 2022-10-19. Review status: criteria provided, single submitter. Criteria: Ambry Variant Classification Scheme 2023. Collection method: clinical testing. Allele origin: germline.
Comment: The p.L870F variant (also known as c.2610G>T), located in coding exon 19 of the MSH3 gene, results from a G to T substitution at nucleotide position 2610. The leucine at codon 870 is replaced by phenylalanine, an amino acid with highly similar properties. This amino acid position is conserved. In addition, the in silico prediction for this alteration is inconclusive. Since supporting evidence is limited at this time, the clinical significance of this alteration remains unclear.

NM_002439.5(MSH3):c.2610G>T (p.Leu870Phe)

Gene: MSH3 (mutS homolog 3; plus strand). Cytogenetic location: 5q14.1.
Variant type: single nucleotide variant.
Coding change: c.2610G>T on transcript NM_002439.5 (MANE Select); coding-DNA position 2610, G replaced by T.
Protein change: p.Leu870Phe; replaces leucine 870 with phenylalanine.
Molecular consequence: missense variant.
Genome position (GRCh38, 1-based): chr5:80,792,799, G>T. VCF-style: chr5-80792799-G-T. GRCh37 (hg19) VCF-style: chr5-80088618-G-T.
Other names: short protein forms L870F.
Identifiers: ClinVar variation 653731 (VCV000653731.12), dbSNP rs1580053733, ClinGen allele CA360272969.